The following is an entry in ClinVar:

ClinVar aggregate classification (germline): Uncertain significance. Review status: criteria provided, multiple submitters, no conflicts (2 of 4 stars). 2 submissions from 2 submitters: Uncertain significance (2). Last evaluated 2026-08-18.

Conditions:
Inborn genetic diseases. Identifiers: MedGen C0950123, MeSH D030342.
Ullrich congenital muscular dystrophy 2 (UCMD2). Identifiers: Orphanet 75840, MedGen C4225314, MONDO:0014654, OMIM 616470.
Bethlem myopathy 2 (BTHLM2). Identifiers: Orphanet 536516, Orphanet 610, MedGen C4225313, MONDO:0034022, OMIM 616471.

Allele frequency attached by ClinVar (database versions not stated): gnomAD 0.00001; TOPMed 0.00003; gnomAD exomes below 0.00001.
gnomAD v4.1: 8 of 1,614,086 alleles (0.0005%); highest among the groups gnomAD compares: East Asian, 0.013%; no homozygotes.

Submissions (2):

Ambry Genetics
Classification: Uncertain significance for Inborn genetic diseases. Last evaluated: 2026-08-18. Review status: criteria provided, single submitter. Criteria: Ambry Variant Classification Scheme 2023. Collection method: clinical testing. Allele origin: germline.
Comment: The c.1115C>T (p.T372I) alteration is located in exon 9 (coding exon 8) of the COL12A1 gene. This alteration results from a C to T substitution at nucleotide position 1115, causing the threonine (T) at amino acid position 372 to be replaced by an isoleucine (I). Based on data from gnomAD, the T allele has an overall frequency of <0.001% (1/249462) total alleles studied. The highest observed frequency was 0.006% (1/17976) of East Asian alleles. Based on insufficient or conflicting evidence, the clinical significance of this alteration remains unclear.

Labcorp Genetics (formerly Invitae), Labcorp
Classification: Uncertain significance for Bethlem myopathy 2; Ullrich congenital muscular dystrophy 2. Last evaluated: 2025-04-11. Review status: criteria provided, single submitter. Criteria: Invitae Variant Classification Sherloc (09022015). Collection method: clinical testing. Allele origin: germline.
Comment: This sequence change replaces threonine, which is neutral and polar, with isoleucine, which is neutral and non-polar, at codon 372 of the COL12A1 protein (p.Thr372Ile). This variant is present in population databases (no rsID available, gnomAD 0.006%). This variant has not been reported in the literature in individuals affected with COL12A1-related conditions. ClinVar contains an entry for this variant (Variation ID: 954460). Invitae Evidence Modeling of protein sequence and biophysical properties (such as structural, functional, and spatial information, amino acid conservation, physicochemical variation, residue mobility, and thermodynamic stability) indicates that this missense variant is not expected to disrupt COL12A1 protein function with a negative predictive value of 80%. In summary, the available evidence is currently insufficient to determine the role of this variant in disease. Therefore, it has been classified as a Variant of Uncertain Significance.

NM_004370.6(COL12A1):c.1115C>T (p.Thr372Ile)

Gene: COL12A1 (collagen type XII alpha 1 chain; minus strand). Cytogenetic location: 6q13.
Variant type: single nucleotide variant.
Coding change: c.1115C>T on transcript NM_004370.6 (MANE Select); coding-DNA position 1115, C replaced by T.
Protein change: p.Thr372Ile; replaces threonine 372 with isoleucine.
Molecular consequence: missense variant. On other transcripts: intron variant (1).
Genome position (GRCh38, 1-based): chr6:75,184,027, G>A on the plus strand (C>T on the coding strand, the complement: COL12A1 is on the minus strand). VCF-style: chr6-75184027-G-A. GRCh37 (hg19) VCF-style: chr6-75893743-G-A.
Other names: c.73+18693C>T (NM_080645.3); short protein forms T372I.
Identifiers: ClinVar variation 954460 (VCV000954460.11), dbSNP rs922525519, ClinGen allele CA141030773.